The following is an entry in ClinVar:

NM_000384.3(APOB):c.*11G>T

Genes: APOB (apolipoprotein B; minus strand), APOB3'MAR (APOB 3' scaffold/matrix attachment region; plus strand). Cytogenetic location: 2p24.1.
Variant type: single nucleotide variant.
Coding change: c.*11G>T on transcript NM_000384.3 (MANE Select); 11 bases downstream of the stop codon, G replaced by T.
Molecular consequence: 3 prime UTR variant.
Genome position (GRCh38, 1-based): chr2:21,001,719, C>A on the plus strand (G>T on the coding strand, the complement: APOB is on the minus strand). VCF-style: chr2-21001719-C-A. GRCh37 (hg19) VCF-style: chr2-21224591-C-A.
Identifiers: ClinVar variation 334064 (VCV000334064.19), dbSNP rs72654428, ClinGen allele CA048571.

ClinVar aggregate classification (germline): Conflicting classifications of pathogenicity. Review status: criteria provided, conflicting classifications (1 of 4 stars). 8 submissions from 7 submitters: Uncertain significance (1); Benign (5); Likely benign (2). Last evaluated 2026-08-01.

Conditions:
Hypercholesterolemia, autosomal dominant, type B (FHCL2). Also called: Hyperlipoproteinemia Type IIb; Familial hypercholesterolemia 2; APOB-Related Familial Hypercholesterolemia, Autosomal Dominant; HYPERCHOLESTEROLEMIA, FAMILIAL, DUE TO LIGAND-DEFECTIVE APOLIPOPROTEIN B; Familial Hypercholesterolemia Type B; APOLIPOPROTEIN B-100, FAMILIAL DEFECTIVE. Identifiers: MedGen C1704417, MONDO:0007751, OMIM 144010.
Familial hypobetalipoproteinemia 1. Also called: APOB-Related Familial Hypobetalipoproteinemia; Hypobetalipoproteinemia, normotriglyceridemic; Acanthocytosis with hypobetalipoproteinemia. Identifiers: MedGen C4551990, MONDO:0014252, OMIM 615558.
Familial hypercholesterolemia. Also called: Familial hypercholesterolemias; Familial hypercholesterolaemia. Identifiers: MedGen C0020445, MONDO:0005439.

Allele frequency attached by ClinVar (database versions not stated): gnomAD exomes 0.00074 and 0.00163; ExAC 0.00199; ESP Exome Variant Server 0.00561; gnomAD 0.00709 and 0.00753; TOPMed 0.00790; 1000 Genomes Project 0.00839; 1000 Genomes Project 30x 0.00937.
gnomAD v4.1: 2,202 of 1,612,764 alleles (0.14%); highest among the groups gnomAD compares: African/African-American, 2.4%; 22 homozygotes.

Submissions (8):

CeGaT Center for Human Genetics Tuebingen
Classification: Benign. Last evaluated: 2026-08-01. Review status: criteria provided, single submitter. Criteria: CeGaT Center For Human Genetics Tuebingen Variant Classification Criteria Version 2. Collection method: clinical testing. Allele origin: germline. Affected: yes. Observed: 2 variant alleles.
Comment: APOB: BS1, BS2

Labcorp Genetics (formerly Invitae), Labcorp
Classification: Benign for Familial hypobetalipoproteinemia 1; Hypercholesterolemia, autosomal dominant, type B. Last evaluated: 2025-05-27. Review status: criteria provided, single submitter. Criteria: Invitae Variant Classification Sherloc (09022015). Collection method: clinical testing. Allele origin: germline.

Blueprint Genetics
Classification: Likely benign. Last evaluated: 2024-11-19. Review status: criteria provided, single submitter. Criteria: ACMG Guidelines, 2015. Collection method: clinical testing. Allele origin: germline.

GENinCode PLC
Classification: Benign for Familial hypercholesterolemia. Last evaluated: 2022-06-21. Review status: criteria provided, single submitter. Criteria: ACMG Guidelines, 2015. Collection method: clinical testing. Allele origin: germline.

Illumina Laboratory Services, Illumina
Classification: Likely benign for Hypercholesterolemia, autosomal dominant, type B. Last evaluated: 2018-01-12. Review status: criteria provided, single submitter. Criteria: ICSL Variant Classification Criteria 13 December 2019. Collection method: clinical testing. Allele origin: germline.
Comment: This variant was observed in the ICSL laboratory as part of a predisposition screen in an ostensibly healthy population. It had not been previously curated by ICSL or reported in the Human Gene Mutation Database (HGMD: prior to June 1st, 2018), and was therefore a candidate for classification through an automated scoring system. Utilizing variant allele frequency, disease prevalence and penetrance estimates, and inheritance mode, an automated score was calculated to assess if this variant is too frequent to cause the disease. Based on the score and internal cut-off values, a variant classified as likely benign is not then subjected to further curation. The score for this variant resulted in a classification of likely benign for this disease.

Illumina Laboratory Services, Illumina
Classification: Uncertain significance for Familial hypobetalipoproteinemia 1. Last evaluated: 2018-01-12. Review status: criteria provided, single submitter. Criteria: ICSL Variant Classification Criteria 13 December 2019. Collection method: clinical testing. Allele origin: germline.

Color Diagnostics, LLC DBA Color Health
Classification: Benign for Familial hypercholesterolemias. Last evaluated: 2017-11-23. Review status: criteria provided, single submitter. Criteria: ACMG Guidelines, 2015. Collection method: clinical testing. Allele origin: germline.

GeneDx
Classification: Benign. Last evaluated: 2017-07-28. Review status: criteria provided, single submitter. Criteria: GeneDx Variant Classification Process June 2021. Collection method: clinical testing. Allele origin: germline. Affected: yes.